The following is an entry in ClinVar:

ClinVar aggregate classification (germline): Uncertain significance (1 of 4 stars; one submission).

Conditions:
Joubert syndrome 21 (JBTS21). Identifiers: MedGen C3810212, MONDO:0014288, OMIM 615636.

Allele frequency attached by ClinVar (database versions not stated): ExAC 0.00001; gnomAD exomes 0.00001.
gnomAD v4.1: 2 of 1,568,626 alleles (0.00013%); highest among the groups gnomAD compares: Admixed American, 0.0019%; no homozygotes.

Submission:

Labcorp Genetics (formerly Invitae), Labcorp
Classification: Uncertain significance for Joubert syndrome 21. Last evaluated: 2022-08-16. Review status: criteria provided, single submitter. Criteria: Invitae Variant Classification Sherloc (09022015). Collection method: clinical testing. Allele origin: germline.
Comment: In summary, the available evidence is currently insufficient to determine the role of this variant in disease. Therefore, it has been classified as a Variant of Uncertain Significance. Algorithms developed to predict the effect of missense changes on protein structure and function are either unavailable or do not agree on the potential impact of this missense change (SIFT: "Tolerated"; PolyPhen-2: "Possibly Damaging"; Align-GVGD: "Class C0"). ClinVar contains an entry for this variant (Variation ID: 1500355). This variant has not been reported in the literature in individuals affected with CSPP1-related conditions. This variant is present in population databases (rs764343140, gnomAD 0.004%). This sequence change replaces valine, which is neutral and non-polar, with alanine, which is neutral and non-polar, at codon 312 of the CSPP1 protein (p.Val312Ala).

NM_001382391.1(CSPP1):c.908T>C (p.Val303Ala)

Gene: CSPP1 (centrosome and spindle pole associated protein 1; plus strand). Cytogenetic location: 8q13.1.
Variant type: single nucleotide variant.
Coding change: c.908T>C on transcript NM_001382391.1 (MANE Select); coding-DNA position 908, T replaced by C.
Protein change: p.Val303Ala; replaces valine 303 with alanine.
Molecular consequence: missense variant.
Genome position (GRCh38, 1-based): chr8:67,095,717, T>C. VCF-style: chr8-67095717-T-C. GRCh37 (hg19) VCF-style: chr8-68007952-T-C.
Other names: c.53T>C, p.Val18Ala (NM_001291339.2); c.827T>C, p.Val276Ala (NM_001363131.2, NM_001363133.2); c.908T>C, p.Val303Ala (NM_001363132.2); c.1016T>C, p.Val339Ala (NM_001364869.1); c.935T>C, p.Val312Ala (NM_001364870.1, NM_024790.7); short protein forms V18A, V276A, V303A, V312A, V339A.
Identifiers: ClinVar variation 1500355 (VCV001500355.8), dbSNP rs764343140, ClinGen allele CA4770382.